The following is an entry in ClinVar:

ClinVar aggregate classification (germline): Pathogenic/Likely pathogenic. Review status: criteria provided, multiple submitters, no conflicts (2 of 4 stars). 8 submissions from 8 submitters: Pathogenic (7); Likely pathogenic (1). Last evaluated 2026-02-18.

Conditions:
BCS1L-related disorder. Also called: BCS1L-related disorders; BCS1L-related condition. Identifiers: MedGen CN239240.
Leigh syndrome (NULS). Also called: Leigh's syndrome; Leigh Syndrome (mtDNA deletion); Leigh Disease; Subacute necrotizing encephalopathy; Necrotizing encephalopathy infantile subacute of Leigh; LEIGH SYNDROME, NUCLEAR. Identifiers: Orphanet 506, MedGen C2931891, MONDO:0009723, OMIM 256000.
GRACILE syndrome (FLNMS). Also called: FELLMAN SYNDROME; FINNISH LETHAL NEONATAL METABOLIC SYNDROME. Identifiers: Orphanet 53693, MedGen C1864002, MONDO:0011308, OMIM 603358.
Mitochondrial complex III deficiency nuclear type 1. Identifiers: Orphanet 254902, MedGen C3541471, MONDO:0007415, OMIM 124000.

Allele frequency attached by ClinVar (database versions not stated): gnomAD exomes 0.00001.

Submissions (8):

PreventionGenetics, part of Exact Sciences
Classification: Pathogenic for BCS1L-related condition. Last evaluated: 2026-02-18. Review status: criteria provided, single submitter. Criteria: ACMG Guidelines, 2015. Collection method: clinical testing. Allele origin: germline.
Comment: The BCS1L c.385G>A variant is predicted to result in the amino acid substitution p.Gly129Arg. This variant has been reported in the homozygous state in several individuals with BCS1L-related phenotypes (see, for example, Tuppen et al. 2010. PubMed ID: 20472482; Al-Owain et al. 2012. PubMed ID: 22991165; Supp. Table 1, Schmidt et al. 2024. PubMed ID: 39039281; supplementary data, Hikmat et al. 2021. PubMed ID: 34662929). In addition, yeast complementation studies suggested that this variant results in reduced protein function (Tuppen et al. 2010. PubMed ID: 20472482).  This variant has not been reported in a large population database (gnomAD), indicating it is rare. This variant is interpreted as pathogenic.

GeneDx
Classification: Pathogenic. Last evaluated: 2025-09-06. Review status: criteria provided, single submitter. Criteria: GeneDx Variant Classification Process June 2021. Collection method: clinical testing. Allele origin: germline. Affected: yes.
Comment: Published functional studies demonstrate a damaging effect on oxidative phosphorylation (PMID: 20472482); Not observed at significant frequency in large population cohorts (gnomAD); In silico analysis supports that this missense variant has a deleterious effect on protein structure/function; This variant is associated with the following publications: (PMID: 30582773, 22991165, 34662929, 35305621, 34374989, 37001142, 39039281, 39411402, 20472482)

Dubai Health Genomic Medicine Center, Dubai Health
Classification: Pathogenic for GRACILE syndrome. Last evaluated: 2024-10-04. Review status: criteria provided, single submitter. Criteria: ACMG Guidelines, 2015. Collection method: research. Allele origin: germline. Affected: yes.
Comment: PS3,PP1,PM3(strong),PM2,PP3,PM5

Revvity Omics, Revvity
Classification: Pathogenic. Last evaluated: 2024-09-10. Review status: criteria provided, single submitter. Criteria: ACMG Guidelines, 2015. Collection method: clinical testing. Allele origin: germline.

Genomic Medicine Center of Excellence, King Faisal Specialist Hospital and Research Centre
Classification: Pathogenic for Mitochondrial complex III deficiency, nuclear type 1. Last evaluated: 2024-03-14. Review status: criteria provided, single submitter. Criteria: ACMG Guidelines, 2015. Collection method: clinical testing. Allele origin: germline.

Institute for Medical Genetics and Human Genetics, Charité - Universitätsmedizin Berlin
Classification: Pathogenic for Mitochondrial complex III deficiency nuclear type 1. Last evaluated: 2022-09-22. Review status: criteria provided, single submitter. Criteria: ACMG Guidelines, 2015. Collection method: clinical testing. Allele origin: germline. Inheritance: Autosomal recessive inheritance. Affected: yes. Observed: 2 homozygotes. Clinical features observed: Microcephaly (HP:0000252), Ataxia (HP:0001251), Global developmental delay (HP:0001263), Abnormal circulating lipid concentration (HP:0003119), Short stature (HP:0004322), Elevated circulating fatty acylcarnitine concentration (HP:0045045).

Labcorp Genetics (formerly Invitae), Labcorp
Classification: Pathogenic. Last evaluated: 2021-10-22. Review status: criteria provided, single submitter. Criteria: Invitae Variant Classification Sherloc (09022015). Collection method: clinical testing. Allele origin: germline.
Comment: ClinVar contains an entry for this variant (Variation ID: 381524). Advanced modeling of protein sequence and biophysical properties (such as structural, functional, and spatial information, amino acid conservation, physicochemical variation, residue mobility, and thermodynamic stability) performed at Invitae indicates that this missense variant is expected to disrupt BCS1L protein function. Experimental studies have shown that this missense change affects BCS1L function (PMID: 20472482). In summary, the currently available evidence indicates that the variant is pathogenic, but additional data are needed to prove that conclusively. Therefore, this variant has been classified as Likely Pathogenic. This variant is not present in population databases (gnomAD no frequency). This sequence change replaces glycine, which is neutral and non-polar, with arginine, which is basic and polar, at codon 129 of the BCS1L protein (p.Gly129Arg). This missense change has been observed in individuals with clinical features of mitochondrial complex III deficiency (PMID: 20472482, 22991165). It has also been observed to segregate with disease in related individuals.

Baylor Genetics
Classification: Likely pathogenic for Leigh syndrome. Last evaluated: 2019-09-30. Review status: criteria provided, single submitter. Criteria: ACMG Guidelines, 2015. Collection method: clinical testing. Allele origin: unknown. Affected: yes.
Comment: This variant was determined to be likely pathogenic according to ACMG Guidelines, 2015 [PMID:25741868]. Phenotype is variable including muscle weakness, lactic acidosis, variable neuro-psychiatric manifestations and cortical visual dysfunction [PMID 20472482, 22991165]

Literature cited by the submitters: PubMed 20472482 (cited by Labcorp Genetics (formerly Invitae), Labcorp and Baylor Genetics); PubMed 22991165 (cited by Labcorp Genetics (formerly Invitae), Labcorp and Baylor Genetics).

NM_001079866.2(BCS1L):c.385G>A (p.Gly129Arg)

Gene: BCS1L (BCS1 ubiquinol-cytochrome c reductase complex chaperone; plus strand). Cytogenetic location: 2q35.
Variant type: single nucleotide variant.
Coding change: c.385G>A on transcript NM_001079866.2 (MANE Select); coding-DNA position 385, G replaced by A.
Protein change: p.Gly129Arg; replaces glycine 129 with arginine.
Molecular consequence: missense variant. On other transcripts: 5 prime UTR variant (5), non-coding transcript variant (1), intron variant (1).
Genome position (GRCh38, 1-based): chr2:218,661,470, G>A. VCF-style: chr2-218661470-G-A. GRCh37 (hg19) VCF-style: chr2-219526193-G-A.
Other names: c.385G>A, p.Gly129Arg (NM_001257342.2, NM_001257343.2, NM_001257344.2 and 10 more transcripts); c.25G>A, p.Gly9Arg (NM_001318836.2, NM_001371451.1); c.-92G>A (NM_001371453.1, NM_001371454.1, NM_001371455.1 and 2 more transcripts); c.-41-289G>A (NM_001371452.1); c.385G>A (NM_001079866.1); short protein forms G129R, G9R.
Identifiers: ClinVar variation 381524 (VCV000381524.19), dbSNP rs1057521059, ClinGen allele CA16604118.
Genomic context (GRCh38, chr2:218,661,470, plus strand): 5'-CGGGGGAAATGGATTCGGGTAGAACGAAGTCGAGAGATGCAGATGATAGACTTGCAGACG[G>A]GGACTCCTTGGGAATCTGTCACCTTCACGGCCCTGGGCACTGACCGAAAGGTTTTCTTCA-3'
Protein context (NP_001073335.1, residues 119-139): REMQMIDLQT[Gly129Arg]TPWESVTFTA